The following is an entry in ClinVar:

ClinVar aggregate classification (germline): Pathogenic (1 of 4 stars; one submission).

Conditions:
Hereditary cancer-predisposing syndrome. Also called: Hereditary Cancer Syndrome; Neoplastic Syndromes, Hereditary; Hereditary neoplastic syndrome; Tumor predisposition. Identifiers: Orphanet 140162, MedGen C0027672, MeSH D009386, MONDO:0015356.

Submission:

Ambry Genetics
Classification: Pathogenic for Hereditary cancer-predisposing syndrome. Last evaluated: 2014-05-16. Review status: criteria provided, single submitter. Criteria: Ambry Autosomal Dominant and X-Linked criteria (10/2015). Collection method: clinical testing. Allele origin: germline. Observed: 1 variant allele.
Comment: Ã¢â‚¬â€¹The c.1072_1074delCGAinsGG pathogenic mutation, located in coding exon 11 of the RB1 gene, results from the deletion of 3 nucleotides (CGA) and the insertion of 2 nucleotides (GG), causing a translational frameshift with a predicted alternate stop codon. Since frameshifts are typically deleterious in nature, this alteration is interpreted as a disease-causing mutation (ACMG Recommendations for Standards for Interpretation and Reporting of Sequence Variations. Revision 2007. Genet Med. 2008;10:294).

NM_000321.3(RB1):c.1072_1074delinsGG (p.Arg358fs)

Gene: RB1 (RB transcriptional corepressor 1; plus strand). Cytogenetic location: 13q14.2.
Variant type: Indel.
Coding change: c.1072_1074delinsGG on transcript NM_000321.3 (MANE Select); coding-DNA positions 1072 to 1074, CGA replaced by GG.
Protein change: p.Arg358fs; shifts the reading frame from arginine 358.
Molecular consequence: frameshift variant.
Genome position (GRCh38, 1-based): chr13:48,368,549-48,368,551, CGA replaced by GG. VCF-style: chr13-48368549-CGA-GG. GRCh37 (hg19) VCF-style: chr13-48942685-CGA-GG.
Other names: c.1072_1074delCGAinsGG (NM_000321.2); short protein forms R358fs.
Identifiers: ClinVar variation 428693 (VCV000428693.3), dbSNP rs1131690872, ClinGen allele CA645369542.